The following is an entry in ClinVar:

NM_001321120.2(TBX4):c.186+1G>A

Gene: TBX4 (T-box transcription factor 4; plus strand). Cytogenetic location: 17q23.2.
Variant type: single nucleotide variant.
Coding change: c.186+1G>A on transcript NM_001321120.2 (MANE Select); the canonical splice donor site of the intron after coding-DNA position 186, G replaced by A.
Molecular consequence: splice donor variant.
Genome position (GRCh38, 1-based): chr17:61,456,677, G>A. VCF-style: chr17-61456677-G-A. GRCh37 (hg19) VCF-style: chr17-59534038-G-A.
Other names: c.186+1G>A (NM_018488.3).
Identifiers: ClinVar variation 4857001 (VCV004857001.1).
Genomic context (GRCh38, chr17:61,456,677, plus strand): 5'-GCGCTAGGCAGCCCCCCGGGACCCGGGGCCGACGTCGTCGCCGCCGCCGCCGCGGAGCAG[G>A]TAGGGCTGCGCCAGCCGTCGGGTAGAAGTCGGGCGTCGGTCTGTCTGCGGGGCCGCCTGT-3'

ClinVar aggregate classification (germline): Likely pathogenic (1 of 4 stars; one submission).

Conditions:
Coxopodopatellar syndrome. Also called: ISCHIOCOXOPODOPATELLAR SYNDROME; PATELLA APLASIA, COXA VARA, AND TARSAL SYNOSTOSIS; ISCHIOCOXOPODOPATELLAR SYNDROME WITH OR WITHOUT PULMONARY ARTERIAL HYPERTENSION; Congenital coxa vara, patella aplasia and tarsal synostosis; ISCHIOPATELLAR DYSPLASIA; SCOTT-TAOR SYNDROME. Identifiers: Orphanet 1509, MedGen C1840061, MONDO:0007841, OMIM 147891.

Submission:

Center for Human Genetics and Genomic Medicine, Uniklinik Rwth Aachen
Classification: Likely pathogenic for Coxopodopatellar syndrome. Last evaluated: 2026-03-24. Review status: criteria provided, single submitter. Criteria: ACMG Guidelines, 2015. Collection method: clinical testing. Allele origin: germline. Inheritance: Autosomal dominant inheritance. Affected: yes. Observed: 1 variant allele, 1 heterozygote.
Comment: The variant has not yet been reported in the literature or in the ClinVar database. In the general population (gnomAD v4.1.0), it has not yet been detected (PM2_Supporting). Bioinformatics prediction tools suggest that the the variant has an effect on splicing (SpliceAI score: Acceptor Loss: 0.55 (-189 bp); Donor Loss: 0.99 (-1 bp)). In the TBX4 gene, splicing variants are known to be pathogenetically relevant (PVS1_Strong). Since additional pathogenic loss-of-function variants have been reported in this region, the PM5_Supporting criterion may be applied in accordance with VCEP specifications (ClinGen Variant Curation Expert Panel).